The following is an entry in ClinVar:

NM_033409.4(SLC52A3):c.1292G>A (p.Trp431Ter)

Gene: SLC52A3 (solute carrier family 52 member 3; minus strand). Cytogenetic location: 20p13.
Variant type: single nucleotide variant.
Coding change: c.1292G>A on transcript NM_033409.4 (MANE Select); coding-DNA position 1292, G replaced by A.
Protein change: p.Trp431Ter; replaces tryptophan 431 with a stop codon.
Molecular consequence: nonsense.
Genome position (GRCh38, 1-based): chr20:761,144, C>T on the plus strand (G>A on the coding strand, the complement: SLC52A3 is on the minus strand). VCF-style: chr20-761144-C-T. GRCh37 (hg19) VCF-style: chr20-741788-C-T.
Other names: c.1292G>A, p.Trp431Ter (NM_001370085.1, NM_001370086.1); short protein forms W431*.
Identifiers: ClinVar variation 3340167 (VCV003340167.1).
Genomic context (GRCh38, chr20:761,144, plus strand): 5'-ACCAGAGGGAACATGAGCAGCGCTCCGAGCAGCGAGCCCAGCTGCACCGCCGCCCCGCAC[C>T]ACAAGAGGGCGCTGCGGCTGAGGTCGCGCAGGACCACGCCCAGCATCACCTTGACGTAAC-3'

ClinVar aggregate classification (germline): Likely pathogenic (1 of 4 stars; one submission).

gnomAD v4.1: 15 of 1,589,284 alleles (0.00094%); highest among the groups gnomAD compares: Non-Finnish European, 0.0013%; no homozygotes.

Submission:

GeneDx
Classification: Likely pathogenic. Last evaluated: 2024-01-08. Review status: criteria provided, single submitter. Criteria: GeneDx Variant Classification Process June 2021. Collection method: clinical testing. Allele origin: germline. Affected: yes.
Comment: Nonsense variant predicted to result in protein truncation, as the last 39 amino acids are lost, and other loss-of-function variants have been reported downstream in HGMD; Not observed at significant frequency in large population cohorts (gnomAD); This variant is associated with the following publications: (PMID: 25462087)